The following is an entry in ClinVar:

ClinVar aggregate classification (germline): Conflicting classifications of pathogenicity. Review status: criteria provided, conflicting classifications (1 of 4 stars). 35 submissions from 32 submitters: Pathogenic (5); Likely pathogenic (23); Uncertain significance (4). 3 of the submissions do not count toward it. Last evaluated 2026-09-23.

Conditions:
CFTR-related disorder (CFTR-RD). Also called: CFTR-related disorders; CFTR-related condition. Identifiers: MedGen C5924204, MONDO:7770004.
Cystic fibrosis diagnostic test.
Cystic fibrosis (CF). Also called: MUCOVISCIDOSIS. Identifiers: Orphanet 586, MedGen C0010674, MONDO:0009061, OMIM 219700. Disease mechanism: loss of function.
Congenital bilateral aplasia of vas deferens from CFTR mutation (CBAVD). Identifiers: Orphanet 48, MedGen C0403814, MONDO:0010178, OMIM 277180. Disease mechanism: loss of function.
Hereditary pancreatitis (PCTT). Also called: Hereditary chronic pancreatitis; PRSS1-Related Hereditary Pancreatitis. Identifiers: Orphanet 676, MedGen C0238339, MONDO:0008185, OMIM 167800.
Bronchiectasis with or without elevated sweat chloride 1 (BESC1). Also called: Cystic Fibrosis-Like Syndrome. Identifiers: Orphanet 60033, MedGen C2749757, MONDO:0008887, OMIM 211400.

Allele frequency attached by ClinVar (database versions not stated): ExAC 0.00023; 1000 Genomes Project 30x 0.00031; gnomAD exomes 0.00029 and 0.00063; 1000 Genomes Project 0.00040; TOPMed 0.00032; gnomAD 0.00038 and 0.00041; ESP Exome Variant Server 0.00054.
gnomAD v4.1: 974 of 1,613,060 alleles (0.06%); highest among the groups gnomAD compares: Non-Finnish European, 0.078%; 1 homozygote.

Submissions 1 to 6 of 35:

PreventionGenetics, part of Exact Sciences
Classification: Likely pathogenic for CFTR-related condition. Last evaluated: 2026-09-23. Review status: criteria provided, single submitter. Criteria: ACMG Guidelines, 2015. Collection method: clinical testing. Allele origin: germline.
Comment: The CFTR c.2249C>T variant is predicted to result in the amino acid substitution p.Pro750Leu. This variant has been reported along with a second pathogenic variant in multiple individuals with cystic fibrosis (CF) or CFTR-related disorders, including at least one individual with congenital bilateral absence of vas deferens (CBAVD) and one individual with elevated and normal sweat chloride levels at different timepoints (Orozco et al. 2000. PubMed ID: 10798368; Li et al. 2012. PubMed ID: 22483971; Storm et al. 2007. PubMed ID: 17481968; McGinniss et al. 2005. PubMed ID: 16189704; Calvin et al. 2012. PubMed ID: 23076339; Prontera et al. 2016. PubMed ID: 27728908; De Wachter et al. 2017. PubMed ID: 28830496). This variant has been interpreted as a disease causing variant with varying clinical consequence by an expert panel (last updated January 30, 2026). In vitro functional studies suggest this variant impacts protein function, albeit to a lesser extent than a severe pathogenic variant (p.Phe508del), and has a quantifiable response to treatment with a CFTR modulator combination (Raraigh et al. 2018. PubMed ID: 29805046; Table S1, Bihler et al. 2024. PubMed ID: 38388235). This variant is reported in 0.058% of alleles in individuals of European (Non-Finnish) descent in gnomAD. Taken together, these data indicate this variant causes CF with variable expressivity when in trans to a second pathogenic variant. This variant is interpreted as likely pathogenic.

GeneDx
Classification: Uncertain significance. Last evaluated: 2026-08-27. Review status: criteria provided, single submitter. Criteria: GeneDx Variant Classification Process June 2021. Collection method: clinical testing. Allele origin: germline.
Comment: Classified as a variant of varying clinical consequence in a well-curated database (CFTR2); Published functional studies are inconclusive: decreased chloride conductance and protein expression compared to wild type, but higher function than was seen for pathogenic variants associated with full expressivity (PMID: 29805046, 38388235); In silico analysis supports that this missense variant has a deleterious effect on protein structure/function; This variant is associated with the following publications: (PMID: 25087612, 26199320, 14998948, 27728908, 16423550, 17432547, 12007216, 28712885, 16963320, 21416780, 10798368, 20846557, 22103471, 17481968, 20706124, 23076339, 30833958, 30698611, 16189704, 22483971, 34996830, 35451201, 34506673, 33946859, 35109852, 37895316, 37628659, 34782259, 36253274, 28830496, 38388235, 38515211, 28992757, 17272608, 29805046, 39062716, 39553608, 39855646, 41527769, 42019862)

Dasa
Classification: Likely pathogenic. Last evaluated: 2026-03-13. Review status: criteria provided, single submitter. Criteria: DASA Assertion Criteria. Collection method: clinical testing. Allele origin: germline.
Comment: NM_000492.4(CFTR):c.2249C>T (p.Pro750Leu) is a missense variant that results in the substitution of proline with leucine. This variant has been recurrently observed in individuals with CFTR-related disorders (PMID: 28830496; PMID: 27728908; PMID: 23076339; PMID: 22483971; PMID: 10798368). Functional evidence supports an impact on the gene or gene product (PMID: 28830496; PMID: 27728908; PMID: 23076339; PMID: 22483971; PMID: 10798368). Also, this variant is rare in population databases. Computational evidence supports a deleterious effect. Based on the currently available evidence, this variant is classified as likely pathogenic.

Victorian Clinical Genetics Services, Murdoch Childrens Research Institute
Classification: Likely pathogenic for Cystic fibrosis. Last evaluated: 2026-02-05. Review status: criteria provided, single submitter. Criteria: ACMG Guidelines, 2015. Collection method: clinical testing. Allele origin: germline. Affected: no.
Comment: This variant is classified as Likely pathogenic. Evidence in support of pathogenic classification: Variant is present in gnomAD (v2) <0.01 for a recessive condition (80 heterozygotes, 0 homozygotes); This variant has moderate functional evidence supporting abnormal protein function. In transfected human airway cells, CFTR protein function was reduced to 48.6% in the mutant compared to the wildtype (PMID: 29805046). The average of sweat chloride measurements in patients with this variant and a CF-causing variant is 49 mEq/L (CFTR2 database). Additional information: Variant is predicted to result in a missense amino acid change from proline to leucine; This variant is heterozygous; This gene is associated with autosomal recessive disease; Previous reports of pathogenicity for this variant are conflicting. This variant has been reported to have varying consequences in the CFTR2 database, and classified as likely pathogenic and VUS by multiple clinical diagnostic laboratories in ClinVar. It has been reported in individuals with either CF, pancreatic insufficiency or congenital bilateral absence of vas deferens (PMIDs: 10798368, 27728908, 28830496, 22483971, 35109852). It has also been reported in asymptomatic individuals who were compound heterozygous for a CF-causing variant (Bernat, J. et al. (2017)); Another missense variant comparable to the one identified in this case has inconclusive previous evidence for pathogenicity. The p.(Pro750Thr) variant has been classified once as a VUS (ClinVar); Variant is located in the annotated CFTR regulator domain (DECIPHER); Missense variant with conflicting in silico predictions and uninformative conservation; Loss of function is a known mechanism of disease in this gene and is associated with cystic fibrosis (CF) (MIM#219700); The condition associated with this gene has incomplete penetrance. The 5T allele is associated with variable penetrance for cystic fibrosis and congenital bilateral absence of vas deferens based on the status of an adjacent poly TG tract (PMID: 32404922); Variants in this gene are known to have variable expressivity. Some CFTR variants are associated with variable expressivity, where the phenotypes that may be associated with one of these variants when in trans with another one of these variants (or a known pathogenic variant) cannot often be predicted (PMIDs: 32404922, 29805046).

Labcorp Genetics (formerly Invitae), Labcorp
Classification: Pathogenic for Cystic fibrosis. Last evaluated: 2026-01-28. Review status: criteria provided, single submitter. Criteria: Invitae Variant Classification Sherloc (09022015). Collection method: clinical testing. Allele origin: germline.
Comment: This sequence change replaces proline, which is neutral and non-polar, with leucine, which is neutral and non-polar, at codon 750 of the CFTR protein (p.Pro750Leu). This variant is present in population databases (rs140455771, gnomAD 0.05%). This missense change has been observed in individual(s) with CFTR-related disease, congenital absence of the vas deferens, or cystic fibrosis (PMID: 10798368, 22483971, 23076339, 27728908, 28830496; internal data). In at least one individual the data is consistent with being in trans (on the opposite chromosome) from a pathogenic variant. ClinVar contains an entry for this variant (Variation ID: 53460). Invitae Evidence Modeling of protein sequence and biophysical properties (such as structural, functional, and spatial information, amino acid conservation, physicochemical variation, residue mobility, and thermodynamic stability) indicates that this missense variant is not expected to disrupt CFTR protein function with a negative predictive value of 80%. Experimental studies are conflicting or provide insufficient evidence to determine the effect of this variant on CFTR function (PMID: 29805046). For these reasons, this variant has been classified as Pathogenic.

Institute of Human Genetics, University of Leipzig Medical Center
Classification: Likely pathogenic for Cystic fibrosis. Last evaluated: 2025-12-22. Review status: criteria provided, single submitter. Criteria: ACMG Guidelines, 2015. Collection method: clinical testing. Allele origin: unknown. Inheritance: Autosomal recessive inheritance. Affected: yes.
Comment: Criteria applied: PM3_STR,PS3_MOD,PP3

NM_000492.4(CFTR):c.2249C>T (p.Pro750Leu)

Gene: CFTR (CF transmembrane conductance regulator; plus strand). Cytogenetic location: 7q31.2.
Variant type: single nucleotide variant.
Coding change: c.2249C>T on transcript NM_000492.4 (MANE Select); coding-DNA position 2249, C replaced by T.
Protein change: p.Pro750Leu; replaces proline 750 with leucine.
Molecular consequence: missense variant.
Genome position (GRCh38, 1-based): chr7:117,592,416, C>T. VCF-style: chr7-117592416-C-T. GRCh37 (hg19) VCF-style: chr7-117232470-C-T.
Other names: short protein forms P750L.
Identifiers: ClinVar variation 53460 (VCV000053460.83), dbSNP rs140455771, ClinGen allele CA221011.